The following is an entry in ClinVar:

ClinVar aggregate classification (germline): Uncertain significance (1 of 4 stars; one submission).

Submission:

GeneDx
Classification: Uncertain significance. Last evaluated: 2024-03-15. Review status: criteria provided, single submitter. Criteria: GeneDx Variant Classification Process June 2021. Collection method: clinical testing. Allele origin: germline. Affected: yes.
Comment: Not observed at significant frequency in large population cohorts (gnomAD); In silico analysis supports that this missense variant has a deleterious effect on protein structure/function; Has not been previously published as pathogenic or benign to our knowledge

NM_016495.6(TBC1D7):c.707T>C (p.Val236Ala)

Genes: TBC1D7 (TBC1 domain family member 7; minus strand), TBC1D7-LOC100130357 (TBC1D7-LOC100130357 readthrough; minus strand). Cytogenetic location: 6p24.1.
Variant type: single nucleotide variant.
Coding change: c.707T>C on transcript NM_016495.6 (MANE Select); coding-DNA position 707, T replaced by C.
Protein change: p.Val236Ala; replaces valine 236 with alanine.
Molecular consequence: missense variant.
Genome position (GRCh38, 1-based): chr6:13,306,486, A>G on the plus strand (T>C on the coding strand, the complement: TBC1D7 is on the minus strand). VCF-style: chr6-13306486-A-G. GRCh37 (hg19) VCF-style: chr6-13306718-A-G.
Other names: c.707T>C, p.Val236Ala (NM_001318809.2, NM_001143964.4, NM_001143965.4 and 1 more transcripts); c.626T>C, p.Val209Ala (NM_001143966.4); c.569T>C, p.Val190Ala (NM_001258457.3); short protein forms V190A, V209A, V236A.
Identifiers: ClinVar variation 3371030 (VCV003371030.1).